The following is an entry in ClinVar:

NM_001197104.2(KMT2A):c.9773T>C (p.Ile3258Thr)

Gene: KMT2A (lysine methyltransferase 2A; plus strand). Cytogenetic location: 11q23.3.
Variant type: single nucleotide variant.
Coding change: c.9773T>C on transcript NM_001197104.2 (MANE Select); coding-DNA position 9773, T replaced by C.
Protein change: p.Ile3258Thr; replaces isoleucine 3258 with threonine.
Molecular consequence: missense variant.
Genome position (GRCh38, 1-based): chr11:118,505,665, T>C. VCF-style: chr11-118505665-T-C. GRCh37 (hg19) VCF-style: chr11-118376380-T-C.
Other names: c.9863T>C, p.Ile3288Thr (NM_001412597.1); c.9764T>C, p.Ile3255Thr (NM_005933.4); short protein forms I3255T, I3258T, I3288T.
Identifiers: ClinVar variation 3893556 (VCV003893556.1).

ClinVar aggregate classification (germline): Uncertain significance (1 of 4 stars; one submission).

Submission:

GeneDx
Classification: Uncertain significance. Last evaluated: 2024-10-28. Review status: criteria provided, single submitter. Criteria: GeneDx Variant Classification Process June 2021. Collection method: clinical testing. Allele origin: germline. Affected: yes.
Comment: Not observed at significant frequency in large population cohorts (gnomAD); In silico analysis indicates that this missense variant does not alter protein structure/function; Has not been previously published as pathogenic or benign to our knowledge